The following is an entry in ClinVar:

ClinVar aggregate classification (germline): Uncertain significance. Review status: criteria provided, multiple submitters, no conflicts (2 of 4 stars). 3 submissions from 3 submitters: Uncertain significance (3). Last evaluated 2026-04-23.

Conditions:
Inborn genetic diseases. Identifiers: MedGen C0950123, MeSH D030342.
TTLL5-related disorder. Also called: TTLL5-related condition.

Allele frequency attached by ClinVar (database versions not stated): gnomAD exomes below 0.00001 and 0.00001; ExAC 0.00001; TOPMed 0.00001.
gnomAD v4.1: 7 of 1,610,232 alleles (0.00043%); highest among the groups gnomAD compares: Non-Finnish European, 0.00059%; no homozygotes.

Submissions (3):

PreventionGenetics, part of Exact Sciences
Classification: Uncertain significance for TTLL5-related condition. Last evaluated: 2026-04-23. Review status: criteria provided, single submitter. Criteria: ACMG Guidelines, 2015. Collection method: clinical testing. Allele origin: germline.
Comment: The TTLL5 c.595A>T variant is predicted to result in the amino acid substitution p.Ile199Phe. To our knowledge, this variant has not been reported in the literature. This variant is reported in 0.00088% of alleles in individuals of European (Non-Finnish) descent in gnomAD. At this time, the clinical significance of this variant is uncertain due to the absence of conclusive functional and genetic evidence.

Ambry Genetics
Classification: Uncertain significance for Inborn genetic diseases. Last evaluated: 2025-07-12. Review status: criteria provided, single submitter. Criteria: Ambry Variant Classification Scheme 2023. Collection method: clinical testing. Allele origin: germline.

Labcorp Genetics (formerly Invitae), Labcorp
Classification: Uncertain significance. Last evaluated: 2021-08-20. Review status: criteria provided, single submitter. Criteria: Invitae Variant Classification Sherloc (09022015). Collection method: clinical testing. Allele origin: germline.
Comment: This sequence change replaces isoleucine with phenylalanine at codon 199 of the TTLL5 protein (p.Ile199Phe). The isoleucine residue is highly conserved and there is a small physicochemical difference between isoleucine and phenylalanine. This variant is present in population databases (rs760333318, ExAC 0.001%). This variant has not been reported in the literature in individuals affected with TTLL5-related conditions. Algorithms developed to predict the effect of missense changes on protein structure and function are either unavailable or do not agree on the potential impact of this missense change (SIFT: "Deleterious"; PolyPhen-2: "Possibly Damaging"; Align-GVGD: "Class C15"). In summary, the available evidence is currently insufficient to determine the role of this variant in disease. Therefore, it has been classified as a Variant of Uncertain Significance.

NM_015072.5(TTLL5):c.595A>T (p.Ile199Phe)

Gene: TTLL5 (tubulin tyrosine ligase like 5; plus strand). Cytogenetic location: 14q24.3.
Variant type: single nucleotide variant.
Coding change: c.595A>T on transcript NM_015072.5 (MANE Select); coding-DNA position 595, A replaced by T.
Protein change: p.Ile199Phe; replaces isoleucine 199 with phenylalanine.
Molecular consequence: missense variant.
Genome position (GRCh38, 1-based): chr14:75,707,027, A>T. VCF-style: chr14-75707027-A-T. GRCh37 (hg19) VCF-style: chr14-76173370-A-T.
Other names: c.595A>T (NM_015072.4); short protein forms I199F.
Identifiers: ClinVar variation 1003901 (VCV001003901.8), dbSNP rs760333318, ClinGen allele CA7278999.